The following is an entry in ClinVar:

NM_001928.4(CFD):c.213-14C>A

Gene: CFD (complement factor D; plus strand). Cytogenetic location: 19p13.3.
Variant type: single nucleotide variant.
Coding change: c.213-14C>A on transcript NM_001928.4 (MANE Select); 14 bases into the intron before coding-DNA position 213, C replaced by A.
Molecular consequence: intron variant.
Genome position (GRCh38, 1-based): chr19:860,847, C>A. VCF-style: chr19-860847-C-A. GRCh37 (hg19) VCF-style: chr19-860847-C-A.
Other names: c.234-14C>A (NM_001317335.2).
Identifiers: ClinVar variation 3611655 (VCV003611655.2).

ClinVar aggregate classification (germline): Uncertain significance (1 of 4 stars; one submission).

gnomAD v4.1: 4 of 1,562,376 alleles (0.00026%); highest among the groups gnomAD compares: Non-Finnish European, 0.00034%; no homozygotes.

Submission:

Labcorp Genetics (formerly Invitae), Labcorp
Classification: Uncertain significance. Last evaluated: 2024-07-24. Review status: criteria provided, single submitter. Criteria: Invitae Variant Classification Sherloc (09022015). Collection method: clinical testing. Allele origin: germline.
Comment: This sequence change falls in intron 2 of the CFD gene. It does not directly change the encoded amino acid sequence of the CFD protein. This variant is not present in population databases (gnomAD no frequency). This variant has not been reported in the literature in individuals affected with CFD-related conditions. Algorithms developed to predict the effect of sequence changes on RNA splicing suggest that this variant may disrupt the consensus splice site. In summary, the available evidence is currently insufficient to determine the role of this variant in disease. Therefore, it has been classified as a Variant of Uncertain Significance.